The following is an entry in ClinVar:

NM_000203.5(IDUA):c.1543C>T (p.Pro515Ser)

Gene: IDUA (alpha-L-iduronidase; plus strand). Cytogenetic location: 4p16.3.
Variant type: single nucleotide variant.
Coding change: c.1543C>T on transcript NM_000203.5 (MANE Select); coding-DNA position 1543, C replaced by T.
Protein change: p.Pro515Ser; replaces proline 515 with serine.
Molecular consequence: missense variant. On other transcripts: non-coding transcript variant (1).
Genome position (GRCh38, 1-based): chr4:1,003,363, C>T. VCF-style: chr4-1003363-C-T. GRCh37 (hg19) VCF-style: chr4-997151-C-T.
Other names: c.1147C>T, p.Pro383Ser (NM_001363576.1); short protein forms P383S, P515S.
Identifiers: ClinVar variation 2080698 (VCV002080698.4), dbSNP rs2534097230, ClinGen allele CA355964933.

ClinVar aggregate classification (germline): Uncertain significance (1 of 4 stars; one submission).

Conditions:
Mucopolysaccharidosis type 1. Also called: IDUA deficiency; MPS I; Mucopolysaccharidosis Type I. Identifiers: Orphanet 579, MedGen C0023786, MONDO:0001586.

gnomAD v4.1: 1 of 1,475,102 alleles (0.000068%); highest among the groups gnomAD compares: East Asian, 0.0028%; no homozygotes.

Submission:

Labcorp Genetics (formerly Invitae), Labcorp
Classification: Uncertain significance for Mucopolysaccharidosis type 1. Last evaluated: 2023-07-07. Review status: criteria provided, single submitter. Criteria: Invitae Variant Classification Sherloc (09022015). Collection method: clinical testing. Allele origin: germline.
Comment: ClinVar contains an entry for this variant (Variation ID: 2080698). Advanced modeling of protein sequence and biophysical properties (such as structural, functional, and spatial information, amino acid conservation, physicochemical variation, residue mobility, and thermodynamic stability) has been performed at Invitae for this missense variant, however the output from this modeling did not meet the statistical confidence thresholds required to predict the impact of this variant on IDUA protein function. In summary, the available evidence is currently insufficient to determine the role of this variant in disease. Therefore, it has been classified as a Variant of Uncertain Significance. This variant has not been reported in the literature in individuals affected with IDUA-related conditions. This sequence change replaces proline, which is neutral and non-polar, with serine, which is neutral and polar, at codon 515 of the IDUA protein (p.Pro515Ser). This variant is not present in population databases (gnomAD no frequency).